The following is an entry in ClinVar:

ClinVar aggregate classification (germline): Uncertain significance. Review status: criteria provided, multiple submitters, no conflicts (2 of 4 stars). 2 submissions from 2 submitters: Uncertain significance (2). Last evaluated 2023-06-27.

Conditions:
Agammaglobulinemia 8, autosomal dominant (AGM8A). Also called: AGAMMAGLOBULINEMIA, AUTOSOMAL DOMINANT, DUE TO TCF3 DEFECT; AGAMMAGLOBULINEMIA 8A, AUTOSOMAL DOMINANT. Identifiers: MedGen C4310786, MONDO:0014840, OMIM 616941.

Allele frequency attached by ClinVar (database versions not stated): TOPMed 0.00002; gnomAD 0.00003.
gnomAD v4.1: 17 of 1,586,016 alleles (0.0011%); highest among the groups gnomAD compares: Admixed American, 0.0018%; no homozygotes.

Submissions (2):

Labcorp Genetics (formerly Invitae), Labcorp
Classification: Uncertain significance. Last evaluated: 2023-06-27. Review status: criteria provided, single submitter. Criteria: Invitae Variant Classification Sherloc (09022015). Collection method: clinical testing. Allele origin: germline.
Comment: In summary, the available evidence is currently insufficient to determine the role of this variant in disease. Therefore, it has been classified as a Variant of Uncertain Significance. Advanced modeling of protein sequence and biophysical properties (such as structural, functional, and spatial information, amino acid conservation, physicochemical variation, residue mobility, and thermodynamic stability) performed at Invitae indicates that this missense variant is not expected to disrupt TCF3 protein function. This variant has not been reported in the literature in individuals affected with TCF3-related conditions. The frequency data for this variant in the population databases is considered unreliable, as metrics indicate poor data quality at this position in the gnomAD database. This sequence change replaces arginine, which is basic and polar, with glutamine, which is neutral and polar, at codon 159 of the TCF3 protein (p.Arg159Gln).

Neuberg Centre For Genomic Medicine, NCGM
Classification: Uncertain significance for Agammaglobulinemia 8, autosomal dominant. Last evaluated: 2023-06-22. Review status: criteria provided, single submitter. Criteria: ACMG Guidelines, 2015. Collection method: clinical testing. Allele origin: germline. Inheritance: Autosomal dominant inheritance. Affected: yes.
Comment: The observed missense c.476G>A(p.Arg159Gln) variant in TCF3 gene has not been reported previously as a pathogenic variant nor as a benign variant, to our knowledge. This variant is reported with the allele frequency of 0.0005% in the gnomAD Exomes. The amino acid Arg at position 159 is changed to a Gln changing protein sequence and it might alter its composition and physico-chemical properties. The amino acid change p.Arg159Gln in TCF3 is predicted as conserved by GERP++ and PhyloP across 100 vertebrates. Multiple lines of computational evidence (Polyphen - Damaging, SIFT - Damaging, and MutationTaster - Disease causing) predict a damaging effect on protein structure and function for this variant. For these reasons, this variant has been classified as Uncertain Significance.

NM_003200.5(TCF3):c.476G>A (p.Arg159Gln)

Gene: TCF3 (transcription factor 3; minus strand). Cytogenetic location: 19p13.3.
Variant type: single nucleotide variant.
Coding change: c.476G>A on transcript NM_003200.5 (MANE Select); coding-DNA position 476, G replaced by A.
Protein change: p.Arg159Gln; replaces arginine 159 with glutamine.
Molecular consequence: missense variant.
Genome position (GRCh38, 1-based): chr19:1,625,599, C>T on the plus strand (G>A on the coding strand, the complement: TCF3 is on the minus strand). VCF-style: chr19-1625599-C-T. GRCh37 (hg19) VCF-style: chr19-1625598-C-T.
Other names: c.476G>A, p.Arg159Gln (NM_001136139.4, NM_001351778.2, NM_001351779.2); short protein forms R159Q.
Identifiers: ClinVar variation 2963457 (VCV002963457.4), dbSNP rs905918880, ClinGen allele CA304104616.